The following is an entry in ClinVar:

ClinVar aggregate classification (germline): Pathogenic. Review status: criteria provided, multiple submitters, no conflicts (2 of 4 stars). 2 submissions from 2 submitters: Pathogenic (2). Last evaluated 2024-11-14.

Conditions:
Familial adenomatous polyposis 4 (FAP4). Also called: MSH3-related attenuated familial adenomatous polyposis. Identifiers: Orphanet 480536, MedGen C4310719, MONDO:0044300, OMIM 617100.
Hereditary cancer-predisposing syndrome. Also called: Neoplastic Syndromes, Hereditary; Tumor predisposition; Hereditary Cancer Syndrome; Hereditary neoplastic syndrome. Identifiers: Orphanet 140162, MedGen C0027672, MeSH D009386, MONDO:0015356.

Submissions (2):

Myriad Genetics, Inc.
Classification: Pathogenic for Familial adenomatous polyposis 4. Last evaluated: 2024-11-14. Review status: criteria provided, single submitter. Criteria: Myriad Autosomal Dominant, Autosomal Recessive and X-Linked Classification Criteria (2023). Collection method: clinical testing. Allele origin: unknown.
Comment: This variant is considered pathogenic. This variant creates a termination codon and is predicted to result in premature protein truncation.

Ambry Genetics
Classification: Pathogenic for Hereditary cancer-predisposing syndrome. Last evaluated: 2022-04-07. Review status: criteria provided, single submitter. Criteria: Ambry Variant Classification Scheme 2023. Collection method: clinical testing. Allele origin: germline.
Comment: The p.S412* pathogenic mutation (also known as c.1235C>G), located in coding exon 8 of the MSH3 gene, results from a C to G substitution at nucleotide position 1235. This changes the amino acid from a serine to a stop codon within coding exon 8. This variant is considered to be rare based on population cohorts in the Genome Aggregation Database (gnomAD). This alteration is expected to result in loss of function by premature protein truncation or nonsense-mediated mRNA decay. As such, this alteration is interpreted as a disease-causing mutation.

NM_002439.5(MSH3):c.1235C>G (p.Ser412Ter)

Gene: MSH3 (mutS homolog 3; plus strand). Cytogenetic location: 5q14.1.
Variant type: single nucleotide variant.
Coding change: c.1235C>G on transcript NM_002439.5 (MANE Select); coding-DNA position 1235, C replaced by G.
Protein change: p.Ser412Ter; replaces serine 412 with a stop codon.
Molecular consequence: nonsense.
Genome position (GRCh38, 1-based): chr5:80,678,988, C>G. VCF-style: chr5-80678988-C-G. GRCh37 (hg19) VCF-style: chr5-79974807-C-G.
Other names: short protein forms S412*.
Identifiers: ClinVar variation 1756633 (VCV001756633.3), dbSNP rs2546726592, ClinGen allele CA360268945.